The following is an entry in ClinVar:

NM_003105.6(SORL1):c.2441G>A (p.Arg814His)

Gene: SORL1 (sortilin related receptor 1; plus strand). Cytogenetic location: 11q24.1.
Variant type: single nucleotide variant.
Coding change: c.2441G>A on transcript NM_003105.6 (MANE Select); coding-DNA position 2441, G replaced by A.
Protein change: p.Arg814His; replaces arginine 814 with histidine.
Molecular consequence: missense variant.
Genome position (GRCh38, 1-based): chr11:121,555,188, G>A. VCF-style: chr11-121555188-G-A. GRCh37 (hg19) VCF-style: chr11-121425897-G-A.
Other names: short protein forms R814H.
Identifiers: ClinVar variation 1174826 (VCV001174826.6), dbSNP rs372764840, ClinGen allele CA6328955.
Genomic context (GRCh38, chr11:121,555,188, plus strand): 5'-ACTTGGCAGGGGGTCGTTTGAACAGTTCCTAGCATTTATTATTACTTTTCTCTCTTAAGC[G>A]CCTCTGTTTGAATGGAAGCACAGGGCAAGAGGTGATCATCAATTCTGGCCTGGAGACAGT-3'
Protein context (NP_003096.2, residues 804-824): WSDLALDVIQ[Arg814His]LCLNGSTGQE

ClinVar aggregate classification (germline): Uncertain significance. Review status: criteria provided, single submitter (1 of 4 stars). 3 submissions from 3 submitters: Uncertain significance (1). 2 of the submissions do not count toward it. Last evaluated 2024-08-21.

Allele frequency attached by ClinVar (database versions not stated): TOPMed below 0.00001; ExAC 0.00001; ESP Exome Variant Server 0.00008.
gnomAD v4.1: 5 of 1,612,512 alleles (0.00031%); highest among the groups gnomAD compares: South Asian, 0.0011%; no homozygotes.

Submissions (3):

Labcorp Genetics (formerly Invitae), Labcorp
Classification: Uncertain significance. Last evaluated: 2024-08-21. Review status: criteria provided, single submitter. Criteria: Invitae Variant Classification Sherloc (09022015). Collection method: clinical testing. Allele origin: germline.
Comment: This sequence change replaces arginine, which is basic and polar, with histidine, which is basic and polar, at codon 814 of the SORL1 protein (p.Arg814His). This variant is not present in population databases (gnomAD no frequency). This variant has not been reported in the literature in individuals affected with SORL1-related conditions. ClinVar contains an entry for this variant (Variation ID: 1174826). An algorithm developed to predict the effect of missense changes on protein structure and function (PolyPhen-2) suggests that this variant is likely to be disruptive. In summary, the available evidence is currently insufficient to determine the role of this variant in disease. Therefore, it has been classified as a Variant of Uncertain Significance.

Diagnostic Laboratory, Department of Genetics, University Medical Center Groningen
Classification: Uncertain significance. Review status: no assertion criteria provided. Collection method: clinical testing. Allele origin: germline. Affected: yes. Study: VKGL Data-share Consensus. Not counted in ClinVar's aggregate classification.

Genome Diagnostics Laboratory, Amsterdam University Medical Center
Classification: Uncertain significance. Review status: no assertion criteria provided. Collection method: clinical testing. Allele origin: germline. Affected: yes. Study: VKGL Data-share Consensus. Not counted in ClinVar's aggregate classification.